The following is an entry in ClinVar:

NM_019023.5(PRMT7):c.164C>T (p.Ala55Val)

Gene: PRMT7 (protein arginine methyltransferase 7; plus strand). Cytogenetic location: 16q22.1.
Variant type: single nucleotide variant.
Coding change: c.164C>T on transcript NM_019023.5 (MANE Select); coding-DNA position 164, C replaced by T.
Protein change: p.Ala55Val; replaces alanine 55 with valine.
Molecular consequence: missense variant. On other transcripts: synonymous variant (1), 5 prime UTR variant (3), non-coding transcript variant (12), intron variant (1).
Genome position (GRCh38, 1-based): chr16:68,324,714, C>T. VCF-style: chr16-68324714-C-T. GRCh37 (hg19) VCF-style: chr16-68358617-C-T.
Other names: c.164C>T, p.Ala55Val (NM_001290018.2, NM_001351143.3, NM_001351144.3 and 1 more transcripts); c.66C>T, p.Cys22= (NM_001378020.1); c.-74C>T (NM_001378021.1, NM_001378022.1, NM_001378023.1); c.132+3252C>T (NM_001184824.4); short protein forms A55V.
Identifiers: ClinVar variation 3336507 (VCV003336507.1).

ClinVar aggregate classification (germline): Uncertain significance (1 of 4 stars; one submission).

gnomAD v4.1: 2 of 1,614,116 alleles (0.00012%); highest among the groups gnomAD compares: East Asian, 0.0022%; no homozygotes.

Submission:

Women's Health and Genetics/Laboratory Corporation of America, LabCorp
Classification: Uncertain significance. Last evaluated: 2024-05-17. Review status: criteria provided, single submitter. Criteria: LabCorp Variant Classification Summary - May 2015. Collection method: clinical testing. Allele origin: germline.
Comment: Variant summary: PRMT7 c.164C>T (p.Ala55Val) results in a non-conservative amino acid change in the encoded protein sequence. Four of five in-silico tools predict a damaging effect of the variant on protein function. The variant allele was found at a frequency of 4e-06 in 251408 control chromosomes. The available data on variant occurrences in the general population are insufficient to allow any conclusion about variant significance. To our knowledge, no occurrence of c.164C>T in individuals affected with Short Stature, Brachydactyly, Intellectual Developmental Disability, And Seizures and no experimental evidence demonstrating its impact on protein function have been reported. No submitters have cited clinical-significance assessments for this variant to ClinVar. Based on the evidence outlined above, the variant was classified as uncertain significance.